The following is an entry in ClinVar:

GRCh37/hg19 17p13.3-13.2(chr17:2433587-3484368)x1

Genes: ASPA (aspartoacylase; plus strand), CLUH (clustered mitochondria homolog; minus strand), OR1A1 (olfactory receptor family 1 subfamily A member 1; plus strand), OR1A2 (olfactory receptor family 1 subfamily A member 2; plus strand), OR1D2 (olfactory receptor family 1 subfamily D member 2; minus strand) and 13 more. Cytogenetic location: 17p13.3-13.2.
Variant type: copy number loss.
Change: copy number 1 (one copy instead of two) of chr17:2,433,587-3,484,368 (1.05 Mb, GRCh37 coordinates, 1-based), cytogenetic band 17p13.3-13.2.
Identifiers: ClinVar variation 2685594 (VCV002685594.1).

ClinVar aggregate classification (germline): Pathogenic (1 of 4 stars; one submission).

Submission:

Quest Diagnostics Nichols Institute San Juan Capistrano
Classification: Pathogenic. Last evaluated: 2022-10-28. Review status: criteria provided, single submitter. Criteria: ACMG/ClinGen CNV Guidelines, 2019. Collection method: clinical testing. Allele origin: unknown.
Comment: The loss of cytoband 17p13.3p13.2 is within a portion of the region associated with the Miller-Dieker lissencephaly syndrome (MDS; OMIM 247200) and includes gene PAFAH1B1 (OMIM 601545). Haploinsufficiency of PAFAH1B1 is associated with lissencephaly-1 (OMIM 607432; Rehm et al., N Engl J Med. 2015 Jun 4;372(23):2235-42. PMID: 26014595 HGNC:8574). Thus, this copy number variant is classified as pathogenic.